The following is an entry in ClinVar:

ClinVar aggregate classification (germline): Likely benign (1 of 4 stars; one submission).

Allele frequency attached by ClinVar (database versions not stated): 1000 Genomes Project 30x 0.00156; 1000 Genomes Project 0.00180; TOPMed 0.00183; gnomAD 0.00211; ESP Exome Variant Server 0.00223; ExAC 0.00285; gnomAD exomes 0.00286.
gnomAD v4.1: 4,389 of 1,570,730 alleles (0.28%); highest among the groups gnomAD compares: South Asian, 1.1%; 24 homozygotes.

Submissions (2):

CeGaT Center for Human Genetics Tuebingen
Classification: Likely benign. Last evaluated: 2023-01-01. Review status: criteria provided, single submitter. Criteria: CeGaT Center For Human Genetics Tuebingen Variant Classification Criteria Version 2. Collection method: clinical testing. Allele origin: germline. Affected: yes. Observed: 2 variant alleles.
Comment: SLC17A7: PP2, BS2

Dr. Peter K. Rogan Lab, Western University
No classification provided (evidence only). Condition: Gastric cancer. Review status: no classification provided. Collection method: in vitro. Allele origin: not applicable. Functional consequence: retained intron. Not counted in ClinVar's aggregate classification.

NM_020309.4(SLC17A7):c.1673G>A (p.Arg558Gln)

Gene: SLC17A7 (solute carrier family 17 member 7; minus strand). Cytogenetic location: 19q13.33.
Variant type: single nucleotide variant.
Coding change: c.1673G>A on transcript NM_020309.4 (MANE Select); coding-DNA position 1673, G replaced by A.
Protein change: p.Arg558Gln; replaces arginine 558 with glutamine.
Molecular consequence: missense variant.
Genome position (GRCh38, 1-based): chr19:49,430,529, C>T on the plus strand (G>A on the coding strand, the complement: SLC17A7 is on the minus strand). VCF-style: chr19-49430529-C-T. GRCh37 (hg19) VCF-style: chr19-49933786-C-T.
Other names: NC_000019.9:g.49933786C>T; short protein forms R558Q.
Identifiers: ClinVar variation 2650241 (VCV002650241.25), dbSNP rs145502722, ClinGen allele CA9572732.